The following is an entry in ClinVar:

ClinVar aggregate classification (germline): Uncertain significance (1 of 4 stars; one submission).

Submission:

Greenwood Genetic Center Diagnostic Laboratories, Greenwood Genetic Center
Classification: Uncertain significance. Last evaluated: 2025-06-10. Review status: criteria provided, single submitter. Criteria: ACMG Guidelines, 2015. Collection method: clinical testing. Allele origin: germline. Affected: yes.
Comment: PM2, BP4, PP2

NM_001273.5(CHD4):c.715A>G (p.Ser239Gly)

Gene: CHD4 (chromodomain helicase DNA binding protein 4; minus strand). Cytogenetic location: 12p13.31.
Variant type: single nucleotide variant.
Coding change: c.715A>G on transcript NM_001273.5 (MANE Select); coding-DNA position 715, A replaced by G.
Protein change: p.Ser239Gly; replaces serine 239 with glycine.
Molecular consequence: missense variant.
Genome position (GRCh38, 1-based): chr12:6,601,373, T>C on the plus strand (A>G on the coding strand, the complement: CHD4 is on the minus strand). VCF-style: chr12-6601373-T-C. GRCh37 (hg19) VCF-style: chr12-6710539-T-C.
Other names: c.694A>G, p.Ser232Gly (NM_001297553.2); c.715A>G, p.Ser239Gly (NM_001363606.2); short protein forms S232G, S239G.
Identifiers: ClinVar variation 4538295 (VCV004538295.1).
Genomic context (GRCh38, chr12:6,601,373, plus strand): 5'-TGCGGATAGGCACCTCCACAGGGGGAGGTGGTGGTGCAACCTCAGTGGCTGTCACCATGC[T>C]CTCCACCACAGCTACCGCTGCTGCTGCCGCAGCTGCCACTGATGCCCCAGAACTGCCTTT-3'
Protein context (NP_001264.2, residues 229-249): AAAAAVAVVE[Ser239Gly]MVTATEVAPP